The following is an entry in ClinVar:

ClinVar aggregate classification (germline): Uncertain significance (0 of 4 stars; one submission).

Conditions:
PHF21A-related disorder. Also called: PHF21A-related condition.

Submission:

PreventionGenetics, part of Exact Sciences
Classification: Uncertain significance for PHF21A-related condition. Last evaluated: 2023-10-26. Review status: no assertion criteria provided. Collection method: clinical testing. Allele origin: germline.
Comment: The PHF21A c.788G>C variant is predicted to result in the amino acid substitution p.Arg263Thr. To our knowledge, this variant has not been reported in the literature or in a large population database, indicating this variant is rare. At this time, the clinical significance of this variant is uncertain due to the absence of conclusive functional and genetic evidence.

NM_001352027.3(PHF21A):c.788G>C (p.Arg263Thr)

Gene: PHF21A (PHD finger protein 21A; minus strand). Cytogenetic location: 11p11.2.
Variant type: single nucleotide variant.
Coding change: c.788G>C on transcript NM_001352027.3 (MANE Select); coding-DNA position 788, G replaced by C.
Protein change: p.Arg263Thr; replaces arginine 263 with threonine.
Molecular consequence: missense variant. On other transcripts: non-coding transcript variant (2).
Genome position (GRCh38, 1-based): chr11:45,965,523, C>G on the plus strand (G>C on the coding strand, the complement: PHF21A is on the minus strand). VCF-style: chr11-45965523-C-G. GRCh37 (hg19) VCF-style: chr11-45987074-C-G.
Other names: c.785G>C, p.Arg262Thr (NM_001101802.3, NM_001352030.3, NM_001352031.3 and 1 more transcripts); c.788G>C, p.Arg263Thr (NM_001352025.3, NM_001352026.3, NM_001352028.1 and 2 more transcripts); short protein forms R262T, R263T.
Identifiers: ClinVar variation 3030191 (VCV003030191.2), dbSNP rs1349026591, ClinGen allele CA380207111.
Genomic context (GRCh38, chr11:45,965,523, plus strand): 5'-TGGATGGAATTCTGGGATGTGGGAAGGGTTGTGGGGGTGAACTTGGTCAGCATGACGGGC[C>G]TCTGGATAAGCTGAGGAGCTGCGAGCATGGGAGGTGGTGCTGGGGCAATAGGAATGTTAT-3'
Protein context (NP_001338956.1, residues 253-273): PMLAAPQLIQ[Arg263Thr]PVMLTKFTPT